The following is an entry in ClinVar:

ClinVar aggregate classification (germline): Uncertain significance (1 of 4 stars; one submission).

Conditions:
Renal carnitine transport defect (CDSP). Also called: Carnitine Deficiency, Systemic; CARNITINE DEFICIENCY, SYSTEMIC, DUE TO DEFECT IN RENAL REABSORPTION OF CARNITINE; CARNITINE TRANSPORTER, PLASMA-MEMBRANE, DEFICIENCY OF; CARNITINE UPTAKE DEFECT; Systemic primary carnitine deficiency disease; Systemic primary carnitine deficiency. Identifiers: Orphanet 158, MedGen C0342788, MONDO:0008919, OMIM 212140.

Allele frequency attached by ClinVar (database versions not stated): gnomAD exomes below 0.00001; gnomAD 0.00001.
gnomAD v4.1: 5 of 1,614,026 alleles (0.00031%); highest among the groups gnomAD compares: Admixed American, 0.005%; no homozygotes.

Submission:

Labcorp Genetics (formerly Invitae), Labcorp
Classification: Uncertain significance for Renal carnitine transport defect. Last evaluated: 2026-01-19. Review status: criteria provided, single submitter. Criteria: Invitae Variant Classification Sherloc (09022015). Collection method: clinical testing. Allele origin: germline.
Comment: This sequence change replaces proline, which is neutral and non-polar, with leucine, which is neutral and non-polar, at codon 309 of the SLC22A5 protein (p.Pro309Leu). This variant is present in population databases (no rsID available, gnomAD no frequency). This missense change has been observed in individual(s) with SLC22A5-related conditions (internal data). ClinVar contains an entry for this variant (Variation ID: 645823). Invitae Evidence Modeling of protein sequence and biophysical properties (such as structural, functional, and spatial information, amino acid conservation, physicochemical variation, residue mobility, and thermodynamic stability) indicates that this missense variant is expected to disrupt SLC22A5 protein function with a positive predictive value of 95%. In summary, the available evidence is currently insufficient to determine the role of this variant in disease. Therefore, it has been classified as a Variant of Uncertain Significance.

NM_003060.4(SLC22A5):c.926C>T (p.Pro309Leu)

Gene: SLC22A5 (solute carrier family 22 member 5; plus strand). Cytogenetic location: 5q31.1.
Variant type: single nucleotide variant.
Coding change: c.926C>T on transcript NM_003060.4 (MANE Select); coding-DNA position 926, C replaced by T.
Protein change: p.Pro309Leu; replaces proline 309 with leucine.
Molecular consequence: missense variant.
Genome position (GRCh38, 1-based): chr5:132,387,126, C>T. VCF-style: chr5-132387126-C-T. GRCh37 (hg19) VCF-style: chr5-131722818-C-T.
Other names: c.998C>T, p.Pro333Leu (NM_001308122.2); short protein forms P309L, P333L.
Identifiers: ClinVar variation 645823 (VCV000645823.7), dbSNP rs1252043783, ClinGen allele CA360805706.
Genomic context (GRCh38, chr5:132,387,126, plus strand): 5'-GATTTGAAGAGGCAGAGGTGATCATCCGCAAGGCTGCCAAAGCCAATGGGATTGTTGTGC[C>T]TTCCACTATCTTTGACCCGAGTGAGGTAAGCACCATGTGGGTGTGGGTGAGAGGGACAGA-3'
Protein context (NP_003051.1, residues 299-319): KAAKANGIVV[Pro309Leu]STIFDPSELQ